The following is an entry in ClinVar:

ClinVar aggregate classification (germline): Uncertain significance (1 of 4 stars; one submission).

Submission:

CeGaT Center for Human Genetics Tuebingen
Classification: Uncertain significance. Last evaluated: 2022-10-01. Review status: criteria provided, single submitter. Criteria: CeGaT Center For Human Genetics Tuebingen Variant Classification Criteria Version 2. Collection method: clinical testing. Allele origin: germline. Affected: yes. Observed: 1 variant allele.
Comment: SGCE: PM2

NM_003919.3(SGCE):c.1045A>G (p.Arg349Gly)

Genes: CASD1 (CAS1 domain sialic acid O acetyltransferase 1; plus strand), SGCE (sarcoglycan epsilon; minus strand). Cytogenetic location: 7q21.3.
Variant type: single nucleotide variant.
Coding change: c.1045A>G on transcript NM_003919.3 (MANE Select); coding-DNA position 1045, A replaced by G.
Protein change: p.Arg349Gly; replaces arginine 349 with glycine.
Molecular consequence: missense variant. On other transcripts: intron variant (6).
Genome position (GRCh38, 1-based): chr7:94,599,716, T>C on the plus strand (A>G on the coding strand, the complement: SGCE is on the minus strand). VCF-style: chr7-94599716-T-C. GRCh37 (hg19) VCF-style: chr7-94229028-T-C.
Other names: c.1045A>G, p.Arg349Gly (NM_001099401.2); c.922A>G, p.Arg308Gly (NM_001301139.2); c.1153A>G, p.Arg385Gly (NM_001346713.2); c.958A>G, p.Arg320Gly (NM_001346719.2); c.772A>G, p.Arg258Gly (NM_001346720.2); c.915-753A>G (NM_001362809.2); c.1038-753A>G (NM_001346717.2, NM_001099400.2); c.1146-753A>G (NM_001346715.2); and 2 more; short protein forms R258G, R308G, R320G, R349G, R385G.
Identifiers: ClinVar variation 1879693 (VCV001879693.29), dbSNP rs2484932499, ClinGen allele CA368229651.
Genomic context (GRCh38, chr7:94,599,716, plus strand): 5'-GAAAAAATGATGAAGAAAATAACAGGAAAGAAGACACTTACTCTGGTGTTTGCATGTTTC[T>C]CTTTTCCCTAGAAACAAAACAAAATTTATGAATTAAATAATAGCATTGATATTTGGAACA-3'
Protein context (NP_003910.1, residues 339-359): MCCRREGVEK[Arg349Gly]NMQTPDIQLV